The following is an entry in ClinVar:

NM_138393.4(REEP6):c.262T>A (p.Tyr88Asn)

Gene: REEP6 (receptor accessory protein 6; plus strand). Cytogenetic location: 19p13.3.
Variant type: single nucleotide variant.
Coding change: c.262T>A on transcript NM_138393.4 (MANE Select); coding-DNA position 262, T replaced by A.
Protein change: p.Tyr88Asn; replaces tyrosine 88 with asparagine.
Molecular consequence: missense variant.
Genome position (GRCh38, 1-based): chr19:1,495,521, T>A. VCF-style: chr19-1495521-T-A. GRCh37 (hg19) VCF-style: chr19-1495520-T-A.
Other names: c.262T>A, p.Tyr88Asn (NM_001329556.3); short protein forms Y88N.
Identifiers: ClinVar variation 1042025 (VCV001042025.9), dbSNP rs2084998834, ClinGen allele CA403056670.
Genomic context (GRCh38, chr19:1,495,521, plus strand): 5'-CCCTGCAGAATCAAAGCTATCGAGAGCCCAAGCAAGGACGACGACACTGTGTGGCTCACC[T>A]ACTGGGTGGTGTACGCCCTGTTTGGGCTGGCCGAGTTCTTCAGCGATCTACTCCTGTCCT-3'
Protein context (NP_612402.1, residues 78-98): SKDDDTVWLT[Tyr88Asn]WVVYALFGLA

ClinVar aggregate classification (germline): Uncertain significance. Review status: criteria provided, multiple submitters, no conflicts (2 of 4 stars). 2 submissions from 2 submitters: Uncertain significance (2). Last evaluated 2024-06-03.

Submissions (2):

Blueprint Genetics
Classification: Uncertain significance. Last evaluated: 2024-06-03. Review status: criteria provided, single submitter. Criteria: ACMG Guidelines, 2015. Collection method: clinical testing. Allele origin: germline.

Labcorp Genetics (formerly Invitae), Labcorp
Classification: Uncertain significance. Last evaluated: 2022-03-10. Review status: criteria provided, single submitter. Criteria: Invitae Variant Classification Sherloc (09022015). Collection method: clinical testing. Allele origin: germline.
Comment: In summary, the available evidence is currently insufficient to determine the role of this variant in disease. Therefore, it has been classified as a Variant of Uncertain Significance. Experimental studies and prediction algorithms are not available or were not evaluated, and the functional significance of this variant is currently unknown. ClinVar contains an entry for this variant (Variation ID: 1042025). This variant has not been reported in the literature in individuals affected with REEP6-related conditions. This variant is not present in population databases (gnomAD no frequency). This sequence change replaces tyrosine, which is neutral and polar, with asparagine, which is neutral and polar, at codon 88 of the REEP6 protein (p.Tyr88Asn).